The following is an entry in ClinVar:

NM_004977.3(KCNC3):c.1640C>T (p.Ser547Leu)

Gene: KCNC3 (potassium voltage-gated channel subfamily C member 3; minus strand). Cytogenetic location: 19q13.33.
Variant type: single nucleotide variant.
Coding change: c.1640C>T on transcript NM_004977.3 (MANE Select); coding-DNA position 1640, C replaced by T.
Protein change: p.Ser547Leu; replaces serine 547 with leucine.
Molecular consequence: missense variant.
Genome position (GRCh38, 1-based): chr19:50,323,313, G>A on the plus strand (C>T on the coding strand, the complement: KCNC3 is on the minus strand). VCF-style: chr19-50323313-G-A. GRCh37 (hg19) VCF-style: chr19-50826570-G-A.
Other names: c.1412C>T, p.Ser471Leu (NM_001372305.1); short protein forms S471L, S547L.
Identifiers: ClinVar variation 1395774 (VCV001395774.6), dbSNP rs775763602, ClinGen allele CA9594204.

ClinVar aggregate classification (germline): Uncertain significance (1 of 4 stars; one submission).

Allele frequency attached by ClinVar (database versions not stated): gnomAD exomes below 0.00001 and 0.00001; ExAC 0.00002.
gnomAD v4.1: 3 of 1,613,424 alleles (0.00019%); highest among the groups gnomAD compares: South Asian, 0.0022%; no homozygotes.

Submission:

Labcorp Genetics (formerly Invitae), Labcorp
Classification: Uncertain significance. Last evaluated: 2022-11-22. Review status: criteria provided, single submitter. Criteria: Invitae Variant Classification Sherloc (09022015). Collection method: clinical testing. Allele origin: germline.
Comment: This sequence change replaces serine, which is neutral and polar, with leucine, which is neutral and non-polar, at codon 547 of the KCNC3 protein (p.Ser547Leu). In summary, the available evidence is currently insufficient to determine the role of this variant in disease. Therefore, it has been classified as a Variant of Uncertain Significance. Advanced modeling of protein sequence and biophysical properties (such as structural, functional, and spatial information, amino acid conservation, physicochemical variation, residue mobility, and thermodynamic stability) performed at Invitae indicates that this missense variant is expected to disrupt KCNC3 protein function. ClinVar contains an entry for this variant (Variation ID: 1395774). This variant has not been reported in the literature in individuals affected with KCNC3-related conditions. This variant is present in population databases (rs775763602, gnomAD 0.006%).